The following is an entry in ClinVar:

ClinVar aggregate classification (germline): Uncertain significance. Review status: criteria provided, multiple submitters, no conflicts (2 of 4 stars). 2 submissions from 2 submitters: Uncertain significance (2). Last evaluated 2024-12-08.

Conditions:
Dyskeratosis congenita, autosomal recessive 5 (DKCB5). Identifiers: MedGen C3554656, MONDO:0014076, OMIM 615190.
Pulmonary fibrosis and/or bone marrow failure, Telomere-related, 3. Also called: PULMONARY FIBROSIS AND/OR BONE MARROW FAILURE SYNDROME, TELOMERE-RELATED, 3. Identifiers: Orphanet 2032, MedGen C4225346, MONDO:0014613, OMIM 616373.
Inborn genetic diseases. Identifiers: MedGen C0950123, MeSH D030342.

Allele frequency attached by ClinVar (database versions not stated): TOPMed below 0.00001; gnomAD exomes 0.00001; ExAC 0.00002.
gnomAD v4.1: 6 of 1,607,740 alleles (0.00037%); highest among the groups gnomAD compares: Non-Finnish European, 0.00051%; no homozygotes.

Submissions (2):

Ambry Genetics
Classification: Uncertain significance for Inborn genetic diseases. Last evaluated: 2024-12-08. Review status: criteria provided, single submitter. Criteria: Ambry Variant Classification Scheme 2023. Collection method: clinical testing. Allele origin: germline.
Comment: The p.G1218D variant (also known as c.3653G>A), located in coding exon 33 of the RTEL1 gene, results from a G to A substitution at nucleotide position 3653. The glycine at codon 1218 is replaced by aspartic acid, an amino acid with similar properties. This amino acid position is conserved. In addition, this alteration is predicted to be tolerated by in silico analysis. Based on the available evidence, the clinical significance of this variant remains unclear.

Labcorp Genetics (formerly Invitae), Labcorp
Classification: Uncertain significance for Dyskeratosis congenita, autosomal recessive 5; Pulmonary fibrosis and/or bone marrow failure, Telomere-related, 3. Last evaluated: 2024-08-13. Review status: criteria provided, single submitter. Criteria: Invitae Variant Classification Sherloc (09022015). Collection method: clinical testing. Allele origin: germline.
Comment: This sequence change replaces glycine, which is neutral and non-polar, with aspartic acid, which is acidic and polar, at codon 1218 of the RTEL1 protein (p.Gly1218Asp). This variant is present in population databases (rs752784400, gnomAD 0.003%). This variant has not been reported in the literature in individuals affected with RTEL1-related conditions. ClinVar contains an entry for this variant (Variation ID: 2195840). An algorithm developed to predict the effect of missense changes on protein structure and function (PolyPhen-2) suggests that this variant is likely to be disruptive. In summary, the available evidence is currently insufficient to determine the role of this variant in disease. Therefore, it has been classified as a Variant of Uncertain Significance.

NM_001283009.2(RTEL1):c.3653G>A (p.Gly1218Asp)

Genes: RTEL1 (regulator of telomere elongation helicase 1; plus strand), RTEL1-TNFRSF6B (RTEL1-TNFRSF6B readthrough (NMD candidate); plus strand). Cytogenetic location: 20q13.33.
Variant type: single nucleotide variant.
Coding change: c.3653G>A on transcript NM_001283009.2 (MANE Select); coding-DNA position 3653, G replaced by A.
Protein change: p.Gly1218Asp; replaces glycine 1218 with aspartic acid.
Molecular consequence: missense variant. On other transcripts: non-coding transcript variant (1), splice donor variant (3).
Genome position (GRCh38, 1-based): chr20:63,695,481, G>A. VCF-style: chr20-63695481-G-A. GRCh37 (hg19) VCF-style: chr20-62326834-G-A.
Other names: c.2983+1G>A (NM_001283010.1); c.3724+1G>A (NM_032957.5); c.3652+1G>A (NM_016434.4); short protein forms G1218D.
Identifiers: ClinVar variation 2195840 (VCV002195840.4), dbSNP rs752784400, ClinGen allele CA9966146.